The following is an entry in ClinVar:

NM_000135.4(FANCA):c.4000G>T (p.Ala1334Ser)

Genes: FANCA (FA complementation group A; minus strand), ZNF276 (zinc finger protein 276; plus strand). Cytogenetic location: 16q24.3.
Variant type: single nucleotide variant.
Coding change: c.4000G>T on transcript NM_000135.4 (MANE Select); coding-DNA position 4000, G replaced by T.
Protein change: p.Ala1334Ser; replaces alanine 1334 with serine.
Molecular consequence: missense variant. On other transcripts: 3 prime UTR variant (2), non-coding transcript variant (4).
Genome position (GRCh38, 1-based): chr16:89,739,488, C>A on the plus strand (G>T on the coding strand, the complement: FANCA is on the minus strand). VCF-style: chr16-89739488-C-A. GRCh37 (hg19) VCF-style: chr16-89805896-C-A.
Other names: c.4000G>T, p.Ala1334Ser (NM_001286167.3); c.*1242C>A (NM_001113525.2, NM_152287.4); short protein forms A1334S.
Identifiers: ClinVar variation 2681905 (VCV002681905.1), dbSNP rs925649874, ClinGen allele CA397484758.

ClinVar aggregate classification (germline): Uncertain significance (1 of 4 stars; one submission).

Submission:

Quest Diagnostics Nichols Institute San Juan Capistrano
Classification: Uncertain significance. Last evaluated: 2022-10-24. Review status: criteria provided, single submitter. Criteria: Quest Diagnostics criteria. Collection method: clinical testing. Allele origin: unknown.
Comment: This variant has not been reported in the published literature. It also has not been reported in large, multi-ethnic general populations. Analysis of this variant using bioinformatics tools for the prediction of the effect of amino acid changes on protein structure and function yielded conflicting predictions that this variant is benign or damaging. Based on the available information, we are unable to determine the clinical significance of this variant.